The following is an entry in ClinVar:

NM_025114.4(CEP290):c.1954A>G (p.Lys652Glu)

Gene: CEP290 (centrosomal protein 290; minus strand). Cytogenetic location: 12q21.32.
Variant type: single nucleotide variant.
Coding change: c.1954A>G on transcript NM_025114.4 (MANE Select); coding-DNA position 1954, A replaced by G.
Protein change: p.Lys652Glu; replaces lysine 652 with glutamic acid.
Molecular consequence: missense variant.
Genome position (GRCh38, 1-based): chr12:88,114,518, T>C on the plus strand (A>G on the coding strand, the complement: CEP290 is on the minus strand). VCF-style: chr12-88114518-T-C. GRCh37 (hg19) VCF-style: chr12-88508295-T-C.
Other names: short protein forms K652E.
Identifiers: ClinVar variation 4983862 (VCV004983862.1).
Genomic context (GRCh38, chr12:88,114,518, plus strand): 5'-TTTCTCCTCCTTTAACATCAGGATCTTTCTGCATTTCCTTAATTGCTTGCAATATTTCTT[T>C]CATACCTTCTTCAAGTTGCTTATTTTCTTCAACTAATTCTTTTACTGTAATTACACAGTT-3'
Protein context (NP_079390.3, residues 642-662): EENKQLEEGM[Lys652Glu]EILQAIKEMQ

ClinVar aggregate classification (germline): Uncertain significance (1 of 4 stars; one submission).

Conditions:
CEP290-related disorder. Also called: CEP290-related condition; CEP290-related disorders. Identifiers: MedGen CN239314.

Submission:

PreventionGenetics, part of Exact Sciences
Classification: Uncertain significance for CEP290-related condition. Last evaluated: 2025-10-13. Review status: criteria provided, single submitter. Criteria: ACMG Guidelines, 2015. Collection method: clinical testing. Allele origin: germline.
Comment: The CEP290 c.1954A>G variant is predicted to result in the amino acid substitution p.Lys652Glu. To our knowledge, this variant has not been reported in the literature or in a large population database (gnomAD), indicating this variant is rare. At this time, the clinical significance of this variant is uncertain due to the absence of conclusive functional and genetic evidence.